The following is an entry in ClinVar:

NM_212482.4(FN1):c.3959T>C (p.Val1320Ala)

Gene: FN1 (fibronectin 1; minus strand). Cytogenetic location: 2q35.
Variant type: single nucleotide variant.
Coding change: c.3959T>C on transcript NM_212482.4 (MANE Select); coding-DNA position 3959, T replaced by C.
Protein change: p.Val1320Ala; replaces valine 1320 with alanine.
Molecular consequence: missense variant. On other transcripts: intron variant (10).
Genome position (GRCh38, 1-based): chr2:215,393,041, A>G on the plus strand (T>C on the coding strand, the complement: FN1 is on the minus strand). VCF-style: chr2-215393041-A-G. GRCh37 (hg19) VCF-style: chr2-216257764-A-G.
Other names: c.3959T>C (NM_212482.1); c.3959T>C, p.Val1320Ala (NM_001306129.2, NM_001306130.2, NM_001365517.2 and 3 more transcripts); c.3797-1227T>C (NM_212474.3, NM_001306132.2, NM_001365523.2 and 7 more transcripts); short protein forms V1320A.
Identifiers: ClinVar variation 1010389 (VCV001010389.12), dbSNP rs770129874, ClinGen allele CA2094568.
Genomic context (GRCh38, chr2:215,393,041, plus strand): 5'-GTGATAACGCTGATATCATAGTCAATGCCCGGCTCCAGCCCTGTGACTGTGTAGTATCCT[A>G]CTGAGGAGTCCACAAAATCTTCAAAAATAGGGATACCTTCTCCTGCCGCAACTACTGTGA-3'
Protein context (NP_997647.2, residues 1310-1330): PIFEDFVDSS[Val1320Ala]GYYTVTGLEP

ClinVar aggregate classification (germline): Uncertain significance. Review status: criteria provided, multiple submitters, no conflicts (2 of 4 stars). 4 submissions from 4 submitters: Uncertain significance (4). Last evaluated 2024-11-25.

Conditions:
Spondylometaphyseal dysplasia - Sutcliffe type. Also called: Sutcliffe type of spondylometaphyseal dysplasia; Sutcliffe SMD; Spondylometaphyseal Dysplasia, Corner Fracture Type; Spondylometaphyseal dysplasia, 'corner fracture' type. Identifiers: Orphanet 93315, MedGen C0432221, MONDO:0008479, OMIM 184255.
Glomerulopathy with fibronectin deposits 2 (GFND2). Identifiers: Orphanet 84090, MedGen C1866075, MONDO:0011165, OMIM 601894.
Inborn genetic diseases. Identifiers: MedGen C0950123, MeSH D030342.

Allele frequency attached by ClinVar (database versions not stated): ExAC 0.00001; gnomAD 0.00001; gnomAD exomes 0.00001; TOPMed 0.00002.
gnomAD v4.1: 5 of 1,613,932 alleles (0.00031%); highest among the groups gnomAD compares: Non-Finnish European, 0.00034%; no homozygotes.

Submissions (4):

Blueprint Genetics
Classification: Uncertain significance. Last evaluated: 2024-11-25. Review status: criteria provided, single submitter. Criteria: ACMG Guidelines, 2015. Collection method: clinical testing. Allele origin: germline.

Labcorp Genetics (formerly Invitae), Labcorp
Classification: Uncertain significance. Last evaluated: 2024-10-09. Review status: criteria provided, single submitter. Criteria: Invitae Variant Classification Sherloc (09022015). Collection method: clinical testing. Allele origin: germline.
Comment: This sequence change replaces valine, which is neutral and non-polar, with alanine, which is neutral and non-polar, at codon 1320 of the FN1 protein (p.Val1320Ala). This variant is present in population databases (rs770129874, gnomAD 0.0009%). This variant has not been reported in the literature in individuals affected with FN1-related conditions. ClinVar contains an entry for this variant (Variation ID: 1010389). An algorithm developed to predict the effect of missense changes on protein structure and function (PolyPhen-2) suggests that this variant is likely to be disruptive. In summary, the available evidence is currently insufficient to determine the role of this variant in disease. Therefore, it has been classified as a Variant of Uncertain Significance.

Ambry Genetics
Classification: Uncertain significance for Inborn genetic diseases. Last evaluated: 2024-04-15. Review status: criteria provided, single submitter. Criteria: Ambry Variant Classification Scheme 2023. Collection method: clinical testing. Allele origin: germline.

Fulgent Genetics
Classification: Uncertain significance for Spondylometaphyseal dysplasia - Sutcliffe type; Glomerulopathy with fibronectin deposits 2. Last evaluated: 2021-07-01. Review status: criteria provided, single submitter. Criteria: ACMG Guidelines, 2015. Collection method: clinical testing. Allele origin: unknown.